The following is an entry in ClinVar:

NM_022773.4(LMF1):c.515-26A>G

Gene: LMF1 (lipase maturation factor 1; minus strand). Cytogenetic location: 16p13.3.
Variant type: single nucleotide variant.
Coding change: c.515-26A>G on transcript NM_022773.4 (MANE Select); 26 bases into the intron before coding-DNA position 515, A replaced by G.
Molecular consequence: intron variant.
Genome position (GRCh38, 1-based): chr16:911,105, T>C on the plus strand (A>G on the coding strand, the complement: LMF1 is on the minus strand). VCF-style: chr16-911105-T-C. GRCh37 (hg19) VCF-style: chr16-961105-T-C.
Other names: c.188-26A>G (NM_001352019.2); c.-137-26A>G (NM_001352017.2, NM_001352021.2); c.116-26A>G (NM_001352018.2); c.515-26A>G (NM_001352020.1).
Identifiers: ClinVar variation 3895392 (VCV003895392.1), dbSNP rs771850314.

ClinVar aggregate classification (germline): Likely benign (1 of 4 stars; one submission).

gnomAD v4.1: 4 of 1,603,636 alleles (0.00025%); highest among the groups gnomAD compares: Non-Finnish European, 0.00034%; no homozygotes.

Submission:

Molecular Diagnostic Laboratory for Inherited Cardiovascular Disease, Montreal Heart Institute
Classification: Likely benign. Last evaluated: 2025-04-09. Review status: criteria provided, single submitter. Criteria: ACMG Guidelines, 2015. Collection method: clinical testing. Allele origin: germline. Affected: no.
Comment: PM2